The following is an entry in ClinVar:

ClinVar aggregate classification (germline): Uncertain significance (1 of 4 stars; one submission).

Conditions:
Intellectual developmental disorder 61. Also called: INTELLECTUAL DEVELOPMENTAL DISORDER, AUTOSOMAL DOMINANT 61; MENTAL RETARDATION, AUTOSOMAL DOMINANT 61. Identifiers: MedGen C5231400, MONDO:0032485, OMIM 618009.

gnomAD v4.1: 3 of 1,604,070 alleles (0.00019%); highest among the groups gnomAD compares: Middle Eastern, 0.033%; no homozygotes.

Submission:

Institute of Human Genetics, University of Goettingen
Classification: Uncertain significance for Intellectual developmental disorder 61. Last evaluated: 2024-09-19. Review status: criteria provided, single submitter. Criteria: ACMG Guidelines, 2015. Collection method: clinical testing. Allele origin: maternal. Inheritance: Autosomal dominant inheritance. Affected: yes. Observed: 1 heterozygote.
Comment: PM2_sup:Extremely low frequency in gnomAD population databases: PP3_mod: REVEL 0.929

NM_005121.3(MED13):c.5879T>C (p.Ile1960Thr)

Gene: MED13 (mediator complex subunit 13; minus strand). Cytogenetic location: 17q23.2.
Variant type: single nucleotide variant.
Coding change: c.5879T>C on transcript NM_005121.3 (MANE Select); coding-DNA position 5879, T replaced by C.
Protein change: p.Ile1960Thr; replaces isoleucine 1960 with threonine.
Molecular consequence: missense variant.
Genome position (GRCh38, 1-based): chr17:61,955,471, A>G on the plus strand (T>C on the coding strand, the complement: MED13 is on the minus strand). VCF-style: chr17-61955471-A-G. GRCh37 (hg19) VCF-style: chr17-60032832-A-G.
Other names: short protein forms I1960T.
Identifiers: ClinVar variation 3340480 (VCV003340480.2).
Genomic context (GRCh38, chr17:61,955,471, plus strand): 5'-TTTTCAGTGGTATAAGTAGCTGAAGCTACTTGCACAGAAGCAGAAGTAGGAAACACAAGT[A>G]TATGAGTACATGATGTATCCTGTGGGGTATTTAGCTGAGATGTCTGCATATTTAGAGTCG-3'
Protein context (NP_005112.2, residues 1950-1970): NTPQDTSCTH[Ile1960Thr]LVFPTSASVQ